The following is an entry in ClinVar:

ClinVar aggregate classification (germline): Likely benign. Review status: criteria provided, single submitter (1 of 4 stars). 2 submissions from 2 submitters: Likely benign (1). 1 of the submissions does not count toward it. Last evaluated 2024-12-01.

Conditions:
DNAH14-related disorder. Also called: DNAH14-related condition.

Allele frequency attached by ClinVar (database versions not stated): 1000 Genomes Project 30x 0.00078; ExAC 0.00216; TOPMed 0.00219; gnomAD 0.00237; gnomAD exomes 0.00399; ESP Exome Variant Server 0.00416; 1000 Genomes Project 0.00020.
gnomAD v4.1: 5,883 of 1,551,338 alleles (0.38%); highest among the groups gnomAD compares: Non-Finnish European, 0.47%; 16 homozygotes.

Submissions (2):

CeGaT Center for Human Genetics Tuebingen
Classification: Likely benign. Last evaluated: 2024-12-01. Review status: criteria provided, single submitter. Criteria: CeGaT Center For Human Genetics Tuebingen Variant Classification Criteria Version 2. Collection method: clinical testing. Allele origin: germline. Affected: yes. Observed: 2 variant alleles.
Comment: DNAH14: BP4, BS2

PreventionGenetics, part of Exact Sciences
Classification: Likely benign for DNAH14-related condition. Last evaluated: 2023-05-27. Review status: no assertion criteria provided. Collection method: clinical testing. Allele origin: germline. Not counted in ClinVar's aggregate classification.
Comment: This variant is classified as likely benign based on ACMG/AMP sequence variant interpretation guidelines (Richards et al. 2015 PMID: 25741868, with internal and published modifications).

NM_001367479.1(DNAH14):c.13690G>A (p.Ala4564Thr)

Gene: DNAH14 (dynein axonemal heavy chain 14; plus strand). Cytogenetic location: 1q42.12.
Variant type: single nucleotide variant.
Coding change: c.13690G>A on transcript NM_001367479.1 (MANE Select); coding-DNA position 13690, G replaced by A.
Protein change: p.Ala4564Thr; replaces alanine 4564 with threonine.
Molecular consequence: missense variant.
Genome position (GRCh38, 1-based): chr1:225,399,105, G>A. VCF-style: chr1-225399105-G-A. GRCh37 (hg19) VCF-style: chr1-225586807-G-A.
Other names: NM_001373.1:c.13384G>A; short protein forms A4564T.
Identifiers: ClinVar variation 2639959 (VCV002639959.25), dbSNP rs115414058, ClinGen allele CA1416992.
Genomic context (GRCh38, chr1:225,399,105, plus strand): 5'-TTTTTAAAGATTTCTACCAAAACACCAAATGCTTCCAACCAGACAGATTCAGAACTCTAT[G>A]CTTTTGAATGCCCAGTTTACCAGACACCTGAGAGGTCAAGAATTTTGGCAACTACCGGTT-3'
Protein context (NP_001354408.1, residues 4554-4574): ASNQTDSELY[Ala4564Thr]FECPVYQTPE